The following is an entry in ClinVar:

ClinVar aggregate classification (germline): Uncertain significance (1 of 4 stars; one submission).

gnomAD v4.1: 5 of 1,613,730 alleles (0.00031%); highest among the groups gnomAD compares: South Asian, 0.0011%; no homozygotes.

Submission:

CeGaT Center for Human Genetics Tuebingen
Classification: Uncertain significance. Last evaluated: 2022-09-01. Review status: criteria provided, single submitter. Criteria: CeGaT Center For Human Genetics Tuebingen Variant Classification Criteria Version 2. Collection method: clinical testing. Allele origin: germline. Affected: yes. Observed: 1 variant allele.
Comment: NCDN: PM2, PP2

NM_014284.3(NCDN):c.661G>A (p.Val221Met)

Gene: NCDN (neurochondrin; plus strand). Cytogenetic location: 1p34.3.
Variant type: single nucleotide variant.
Coding change: c.661G>A on transcript NM_014284.3 (MANE Select); coding-DNA position 661, G replaced by A.
Protein change: p.Val221Met; replaces valine 221 with methionine.
Molecular consequence: missense variant.
Genome position (GRCh38, 1-based): chr1:35,560,812, G>A. VCF-style: chr1-35560812-G-A. GRCh37 (hg19) VCF-style: chr1-36026413-G-A.
Other names: c.661G>A, p.Val221Met (NM_001014839.2); c.610G>A, p.Val204Met (NM_001014841.2); short protein forms V204M, V221M.
Identifiers: ClinVar variation 2638647 (VCV002638647.24), dbSNP rs1271405870, ClinGen allele CA339343867.